The following is an entry in ClinVar:

NM_006516.4(SLC2A1):c.338C>G (p.Ser113Trp)

Gene: SLC2A1 (solute carrier family 2 member 1; minus strand). Cytogenetic location: 1p34.2.
Variant type: single nucleotide variant.
Coding change: c.338C>G on transcript NM_006516.4 (MANE Select); coding-DNA position 338, C replaced by G.
Protein change: p.Ser113Trp; replaces serine 113 with tryptophan.
Molecular consequence: missense variant.
Genome position (GRCh38, 1-based): chr1:42,930,804, G>C on the plus strand (C>G on the coding strand, the complement: SLC2A1 is on the minus strand). VCF-style: chr1-42930804-G-C. GRCh37 (hg19) VCF-style: chr1-43396475-G-C.
Other names: short protein forms S113W.
Identifiers: ClinVar variation 2054055 (VCV002054055.4), dbSNP rs774348625, ClinGen allele CA339961162.

ClinVar aggregate classification (germline): Uncertain significance (1 of 4 stars; one submission).

Conditions:
GLUT1 deficiency syndrome 1, autosomal recessive. Identifiers: MedGen C3149117.

Submission:

Labcorp Genetics (formerly Invitae), Labcorp
Classification: Uncertain significance for GLUT1 deficiency syndrome 1, autosomal recessive. Last evaluated: 2024-02-24. Review status: criteria provided, single submitter. Criteria: Invitae Variant Classification Sherloc (09022015). Collection method: clinical testing. Allele origin: germline.
Comment: This sequence change replaces serine, which is neutral and polar, with tryptophan, which is neutral and slightly polar, at codon 113 of the SLC2A1 protein (p.Ser113Trp). This variant is not present in population databases (gnomAD no frequency). This variant has not been reported in the literature in individuals affected with SLC2A1-related conditions. ClinVar contains an entry for this variant (Variation ID: 2054055). Advanced modeling of protein sequence and biophysical properties (such as structural, functional, and spatial information, amino acid conservation, physicochemical variation, residue mobility, and thermodynamic stability) performed at Invitae indicates that this missense variant is expected to disrupt SLC2A1 protein function with a positive predictive value of 95%. In summary, the available evidence is currently insufficient to determine the role of this variant in disease. Therefore, it has been classified as a Variant of Uncertain Significance.